The following is an entry in ClinVar:

ClinVar aggregate classification (germline): Pathogenic (1 of 4 stars; one submission).

Submission:

CeGaT Center for Human Genetics Tuebingen
Classification: Pathogenic. Last evaluated: 2024-01-01. Review status: criteria provided, single submitter. Criteria: CeGaT Center For Human Genetics Tuebingen Variant Classification Criteria Version 2. Collection method: clinical testing. Allele origin: germline. Affected: yes. Observed: 3 variant alleles.
Comment: EFNB1: PVS1, PM2

NM_004429.5(EFNB1):c.440del (p.Asn147fs)

Gene: EFNB1 (ephrin B1; plus strand). Cytogenetic location: Xq13.1.
Variant type: Deletion.
Coding change: c.440del on transcript NM_004429.5 (MANE Select); coding-DNA position 440, one base deleted (A; older notation c.440delA).
Protein change: p.Asn147fs; shifts the reading frame from asparagine 147.
Molecular consequence: frameshift variant.
Genome position (GRCh38, 1-based): chrX:68,839,697, A deleted; the last of 4 consecutive A bases (chrX:68,839,694-68,839,697); deleting any one gives the same sequence. VCF-style (leftmost placement, unchanged base first): chrX-68839693-GA-G. GRCh37 (hg19) VCF-style: chrX-68059536-GA-G.
Other names: short protein forms N147fs.
Identifiers: ClinVar variation 3027064 (VCV003027064.22), dbSNP rs2519539204, ClinGen allele CA2740092186.